The following is an entry in ClinVar:

NM_001048174.2(MUTYH):c.1190A>T (p.Gln397Leu)

Gene: MUTYH (mutY DNA glycosylase; minus strand). Cytogenetic location: 1p34.1.
Variant type: single nucleotide variant.
Coding change: c.1190A>T on transcript NM_001048174.2 (MANE Select); coding-DNA position 1190, A replaced by T.
Protein change: p.Gln397Leu; replaces glutamine 397 with leucine.
Molecular consequence: missense variant. On other transcripts: non-coding transcript variant (7).
Genome position (GRCh38, 1-based): chr1:45,331,469, T>A on the plus strand (A>T on the coding strand, the complement: MUTYH is on the minus strand). VCF-style: chr1-45331469-T-A. GRCh37 (hg19) VCF-style: chr1-45797141-T-A.
Other names: c.1232A>T, p.Gln411Leu (NM_001407083.1, NM_001407085.1); c.1193A>T, p.Gln398Leu (NM_001407086.1, NM_001048172.2, NM_001407071.1 and 1 more transcripts); c.1211A>T, p.Gln404Leu (NM_001407087.1); c.1190A>T, p.Gln397Leu (NM_001407088.1, NM_001407089.1, NM_001048171.2 and 6 more transcripts); c.914A>T, p.Gln305Leu (NM_001407091.1, NM_001293192.2, NM_001293196.2); c.1265A>T, p.Gln422Leu (NM_012222.3); c.1274A>T, p.Gln425Leu (NM_001128425.2); c.1235A>T, p.Gln412Leu (NM_001293190.2); and 5 more; short protein forms Q282L, Q305L, Q369L, Q404L, Q422L, Q397L, Q398L, Q383L.
Identifiers: ClinVar variation 4113145 (VCV004113145.1).

ClinVar aggregate classification (germline): Uncertain significance (1 of 4 stars; one submission).

Conditions:
Hereditary cancer-predisposing syndrome. Also called: Tumor predisposition; Neoplastic Syndromes, Hereditary; Hereditary neoplastic syndrome; Hereditary Cancer Syndrome. Identifiers: Orphanet 140162, MedGen C0027672, MeSH D009386, MONDO:0015356.

Submission:

Ambry Genetics
Classification: Uncertain significance for Hereditary cancer-predisposing syndrome. Last evaluated: 2025-08-27. Review status: criteria provided, single submitter. Criteria: Ambry Variant Classification Scheme 2023. Collection method: clinical testing. Allele origin: germline.
Comment: The p.Q425L variant (also known as c.1274A>T), located in coding exon 13 of the MUTYH gene, results from an A to T substitution at nucleotide position 1274. The glutamine at codon 425 is replaced by leucine, an amino acid with dissimilar properties. This amino acid position is conserved. In addition, this alteration is predicted to be tolerated by in silico analysis. Based on the available evidence, the clinical significance of this variant remains unclear.